The following is an entry in ClinVar:

NM_203290.4(POLR1C):c.762C>T (p.Ser254=)

Gene: POLR1C (RNA polymerase I and III subunit C; plus strand). Cytogenetic location: 6p21.1.
Variant type: single nucleotide variant.
Coding change: c.762C>T on transcript NM_203290.4 (MANE Select); coding-DNA position 762, C replaced by T.
Protein change: p.Ser254=; no amino-acid change (serine 254 retained).
Molecular consequence: synonymous variant.
Genome position (GRCh38, 1-based): chr6:43,520,731, C>T. VCF-style: chr6-43520731-C-T. GRCh37 (hg19) VCF-style: chr6-43488469-C-T.
Other names: c.762C>T, p.Ser254= (NM_001318876.2, NM_001363658.2).
Identifiers: ClinVar variation 746920 (VCV000746920.10), dbSNP rs147793518, ClinGen allele CA3825559.

ClinVar aggregate classification (germline): Likely benign. Review status: criteria provided, single submitter (1 of 4 stars). 2 submissions from 2 submitters: Likely benign (1). 1 of the submissions does not count toward it. Last evaluated 2026-01-16.

Conditions:
POLR1C-related disorder. Also called: POLR1C-related condition; POLR1C-related disorders. Identifiers: MedGen CN239394, MONDO:0700278.

Allele frequency attached by ClinVar (database versions not stated): gnomAD exomes 0.00003 and 0.00007; ExAC 0.00008; 1000 Genomes Project 30x 0.00016; 1000 Genomes Project 0.00020; gnomAD 0.00040 and 0.00043; TOPMed 0.00043; ESP Exome Variant Server 0.00046.
gnomAD v4.1: 108 of 1,614,140 alleles (0.0067%); highest among the groups gnomAD compares: African/African-American, 0.14%; no homozygotes.

Submissions (2):

Labcorp Genetics (formerly Invitae), Labcorp
Classification: Likely benign. Last evaluated: 2026-01-16. Review status: criteria provided, single submitter. Criteria: Invitae Variant Classification Sherloc (09022015). Collection method: clinical testing. Allele origin: germline.

PreventionGenetics, part of Exact Sciences
Classification: Likely benign for POLR1C-related condition. Last evaluated: 2021-09-08. Review status: no assertion criteria provided. Collection method: clinical testing. Allele origin: germline. Not counted in ClinVar's aggregate classification.
Comment: This variant is classified as likely benign based on ACMG/AMP sequence variant interpretation guidelines (Richards et al. 2015 PMID: 25741868, with internal and published modifications).